The following is an entry in ClinVar:

ClinVar aggregate classification (germline): Benign/Likely benign. Review status: criteria provided, multiple submitters, no conflicts (2 of 4 stars). 3 submissions from 3 submitters: Benign (1); Likely benign (2). Last evaluated 2025-02-19.

Conditions:
Hereditary cancer-predisposing syndrome. Also called: Hereditary neoplastic syndrome; Neoplastic Syndromes, Hereditary; Tumor predisposition; Hereditary Cancer Syndrome. Identifiers: Orphanet 140162, MedGen C0027672, MeSH D009386, MONDO:0015356.
Breast-ovarian cancer, familial, susceptibility to, 3. Also called: RAD51C-Related Breast/Ovarian Cancer. Identifiers: Orphanet 145, MedGen C3150659, MONDO:0013253, OMIM 613399.
Fanconi anemia complementation group O. Also called: RAD51C-Related Fanconi Anemia. Identifiers: Orphanet 84, MedGen C3150653, MONDO:0013248, OMIM 613390.

gnomAD v4.1: 2 of 1,613,044 alleles (0.00012%); highest among the groups gnomAD compares: African/African-American, 0.0013%; no homozygotes.

Submissions (3):

Myriad Genetics, Inc.
Classification: Benign for Breast-ovarian cancer, familial, susceptibility to, 3. Last evaluated: 2025-02-19. Review status: criteria provided, single submitter. Criteria: Myriad Autosomal Dominant, Autosomal Recessive and X-Linked Classification Criteria (2023). Collection method: clinical testing. Allele origin: unknown.
Comment: This variant is considered benign. This variant is a silent/synonymous amino acid change and it is not expected to impact splicing.

Labcorp Genetics (formerly Invitae), Labcorp
Classification: Likely benign for Fanconi anemia complementation group O. Last evaluated: 2024-11-14. Review status: criteria provided, single submitter. Criteria: Invitae Variant Classification Sherloc (09022015). Collection method: clinical testing. Allele origin: germline.

Ambry Genetics
Classification: Likely benign for Hereditary cancer-predisposing syndrome. Last evaluated: 2017-02-07. Review status: criteria provided, single submitter. Criteria: Ambry Variant Classification Scheme 2023. Collection method: clinical testing. Allele origin: germline.

NM_058216.3(RAD51C):c.784T>C (p.Leu262=)

Gene: RAD51C (RAD51 paralog C; plus strand). Cytogenetic location: 17q22.
Variant type: single nucleotide variant.
Coding change: c.784T>C on transcript NM_058216.3 (MANE Select); coding-DNA position 784, T replaced by C.
Protein change: p.Leu262=; no amino-acid change (leucine 262 retained).
Molecular consequence: synonymous variant. On other transcripts: non-coding transcript variant (1).
Genome position (GRCh38, 1-based): chr17:58,709,937, T>C. VCF-style: chr17-58709937-T-C. GRCh37 (hg19) VCF-style: chr17-56787298-T-C.
Identifiers: ClinVar variation 484748 (VCV000484748.15), dbSNP rs149331537, ClinGen allele CA501075606.
Genomic context (GRCh38, chr17:58,709,937, plus strand): 5'-GATGGTATTGCTTTTCCATTTCGTCATGACCTAGATGACCTGTCTCTTCGTACTCGGTTA[T>C]TAAATGGCCTAGCCCAGCAAATGATCAGCCTTGCAAATAATCACAGATTAGCTGTAAGTA-3'
Protein context (NP_478123.1, residues 252-272): LDDLSLRTRL[Leu262=]NGLAQQMISL